The following is an entry in ClinVar:

ClinVar aggregate classification (germline): Likely pathogenic (1 of 4 stars; one submission).

Submission:

GeneDx
Classification: Likely pathogenic. Last evaluated: 2016-07-12. Review status: criteria provided, single submitter. Criteria: GeneDx Variant Classification (06012015). Collection method: clinical testing. Allele origin: germline. Affected: yes.
Comment: The K44N pathogenic variant in the DNM1 gene has not been reported previously as a pathogenic variant nor as a benign variant, to our knowledge. The K44N variant was not observed in approximately 6,500 individuals of European and African American ancestry in the NHLBI Exome Sequencing Project, indicating it is not a common benign variant in these populations. The K44N variant is a semi-conservative amino acid substitution, which may impact secondary protein structure as these residues differ in some properties. This substitution occurs at a position that is conserved across species. In vitro studies that changed Lysine 44 to an Alanine residue showed that Lysine 44 is a critical residue for protein function (van der Bliek et al., 1993). The K44N variant is a strong candidate for a pathogenic variant, however the possibility it may be a rare benign variant cannot be excluded.

NM_004408.4(DNM1):c.132G>T (p.Lys44Asn)

Genes: CIZ1 (CDKN1A interacting zinc finger protein 1; minus strand), DNM1 (dynamin 1; plus strand). Cytogenetic location: 9q34.11.
Variant type: single nucleotide variant.
Coding change: c.132G>T on transcript NM_004408.4 (MANE Select); coding-DNA position 132, G replaced by T.
Protein change: p.Lys44Asn; replaces lysine 44 with asparagine.
Molecular consequence: missense variant. On other transcripts: intron variant (2).
Genome position (GRCh38, 1-based): chr9:128,203,602, G>T. VCF-style: chr9-128203602-G-T. GRCh37 (hg19) VCF-style: chr9-130965881-G-T.
Other names: c.132G>T, p.Lys44Asn (NM_001005336.3, NM_001288737.2, NM_001288738.2 and 2 more transcripts); c.-6+584C>A (NM_001131015.2, NM_012127.3); short protein forms K44N.
Identifiers: ClinVar variation 430565 (VCV000430565.4), dbSNP rs1131692028, ClinGen allele CA375006782.
Genomic context (GRCh38, chr9:128,203,602, plus strand): 5'-CCAGAACGCGGACCTCGACCTGCCGCAGATCGCTGTGGTGGGCGGCCAGAGCGCCGGCAA[G>T]AGCTCGGTGCTCGAGAATTTCGTAGGCAGGTAGGCGCGGCGCGCCCCCAGGCGCCGACCC-3'
Protein context (NP_004399.2, residues 34-54): IAVVGGQSAG[Lys44Asn]SSVLENFVGR